The following is an entry in ClinVar:

NM_001353108.3(CEP63):c.1657A>G (p.Lys553Glu)

Gene: CEP63 (centrosomal protein 63; plus strand). Cytogenetic location: 3q22.2.
Variant type: single nucleotide variant.
Coding change: c.1657A>G on transcript NM_001353108.3 (MANE Select); coding-DNA position 1657, A replaced by G.
Protein change: p.Lys553Glu; replaces lysine 553 with glutamic acid.
Molecular consequence: missense variant. On other transcripts: intron variant (17).
Genome position (GRCh38, 1-based): chr3:134,558,331, A>G. VCF-style: chr3-134558331-A-G. GRCh37 (hg19) VCF-style: chr3-134277173-A-G.
Other names: c.1519A>G, p.Lys507Glu (NM_001353109.1); c.1657A>G, p.Lys553Glu (NM_025180.5); c.1467+6319A>G (NM_001353113.1, NM_001353117.2); c.1329+6319A>G (NM_001042384.2, NM_001353124.2, NM_001353123.2); c.1330-3046A>G (NM_001353122.1, NM_001042383.2, NM_001353121.2 and 2 more transcripts); c.1468-3046A>G (NM_001353110.1, NM_001353112.2, NM_001353111.2 and 1 more transcripts); c.1357-3046A>G (NM_001353118.1); c.967-3046A>G (NM_001353126.2); and 1 more; short protein forms K553E, K507E.
Identifiers: ClinVar variation 1030913 (VCV001030913.4), dbSNP rs149856006, ClinGen allele CA2628734.
Genomic context (GRCh38, chr3:134,558,331, plus strand): 5'-ATGTGCAAAAAACAAAATGACAGGATCTTTAAACCAACACACAGCAGAACAACTGAGTTC[A>G]AGAATACAGAGTTCAAGTAAAATTTTTTAAAAGTTTATTTAAAATGTGTATTGGTACAAT-3'
Protein context (NP_001340037.1, residues 543-563): KPTHSRTTEF[Lys553Glu]NTEFKPTHGQ

ClinVar aggregate classification (germline): Uncertain significance. Review status: criteria provided, multiple submitters, no conflicts (2 of 4 stars). 3 submissions from 3 submitters: Uncertain significance (3). Last evaluated 2025-08-02.

Conditions:
Seckel syndrome 6 (SCKL6). Identifiers: MedGen C3553582, MONDO:0013871, OMIM 614728.
Inborn genetic diseases. Identifiers: MedGen C0950123, MeSH D030342.

Allele frequency attached by ClinVar (database versions not stated): gnomAD exomes 0.00005 and 0.00012; ExAC 0.00012; gnomAD 0.00039 and 0.00042; TOPMed 0.00040; ESP Exome Variant Server 0.00054; 1000 Genomes Project 0.00080.
gnomAD v4.1: 135 of 1,611,426 alleles (0.0084%); highest among the groups gnomAD compares: African/African-American, 0.14%; no homozygotes.

Submissions (3):

Ambry Genetics
Classification: Uncertain significance for Inborn genetic diseases. Last evaluated: 2025-08-02. Review status: criteria provided, single submitter. Criteria: Ambry Variant Classification Scheme 2023. Collection method: clinical testing. Allele origin: germline.

Labcorp Genetics (formerly Invitae), Labcorp
Classification: Uncertain significance. Last evaluated: 2022-10-19. Review status: criteria provided, single submitter. Criteria: Invitae Variant Classification Sherloc (09022015). Collection method: clinical testing. Allele origin: germline.
Comment: This sequence change replaces lysine, which is basic and polar, with glutamic acid, which is acidic and polar, at codon 553 of the CEP63 protein (p.Lys553Glu). This variant is present in population databases (rs149856006, gnomAD 0.1%). This variant has not been reported in the literature in individuals affected with CEP63-related conditions. ClinVar contains an entry for this variant (Variation ID: 1030913). Algorithms developed to predict the effect of missense changes on protein structure and function are either unavailable or do not agree on the potential impact of this missense change (SIFT: "Deleterious"; PolyPhen-2: "Benign"; Align-GVGD: "Class C0"). In summary, the available evidence is currently insufficient to determine the role of this variant in disease. Therefore, it has been classified as a Variant of Uncertain Significance.

Baylor Genetics
Classification: Uncertain significance for Seckel syndrome 6. Last evaluated: 2020-05-05. Review status: criteria provided, single submitter. Criteria: ACMG Guidelines, 2015. Collection method: clinical testing. Allele origin: unknown. Affected: yes.
Comment: This variant was determined to be of uncertain significance according to ACMG Guidelines, 2015 [PMID:25741868].